The following is an entry in ClinVar:

NM_001009944.3(PKD1):c.4195_4196inv (p.Trp1399Gln)

Gene: PKD1 (polycystin 1, transient receptor potential channel interacting; minus strand). Cytogenetic location: 16p13.3.
Variant type: Inversion.
Coding change: c.4195_4196inv on transcript NM_001009944.3 (MANE Select).
Protein change: p.Trp1399Gln; replaces tryptophan 1399 with glutamine.
Molecular consequence: missense variant.
Genome position: GRCh38 VCF-style: chr16-2110971-CA-TG. GRCh37 (hg19) VCF-style: chr16-2160972-CA-TG.
Other names: c.4195_4196delinsCA (NM_001009944.3); c.4195_4196inv, p.Trp1399Gln (NM_000296.4); short protein forms W1399Q.
Identifiers: ClinVar variation 504397 (VCV000504397.2), ClinGen allele CA658798512.
Genomic context (GRCh38, chr16:2,110,971, plus strand): 5'-TCGGTGCCAAAGTCCCAGGTGTAGCGGTAGGGGAACGGGGGCCAGGCACATGCCACCAGC[CA>TG]GGCCTCGTCCCCGAGCTGCACAAACTGCCTCTCTGGCTGCAGGGTGACGTTGCCCACCTC-3'
Protein context (NP_001009944.3, residues 1389-1409): RQFVQLGDEA[Trp1399Gln]LVACAWPPFP

ClinVar aggregate classification (germline): Uncertain significance. Review status: criteria provided, multiple submitters, no conflicts (2 of 4 stars). 2 submissions from 2 submitters: Uncertain significance (2). Last evaluated 2024-04-22.

Conditions:
Polycystic kidney disease, adult type (PKD1). Also called: POLYCYSTIC KIDNEY DISEASE 1 WITH OR WITHOUT POLYCYSTIC LIVER DISEASE; Polycystic Kidney Disease 1, Autosomal Dominant; Polycystic kidney disease 1; Polycystic kidney disease 1, severe; Polycystic Kidney, Autosomal Dominant; POLYCYSTIC KIDNEY DISEASE, ADULT, TYPE I. Identifiers: MedGen C3149841, MONDO:0008263, OMIM 173900.

Submissions (2):

Fulgent Genetics
Classification: Uncertain significance for Polycystic kidney disease, adult type. Last evaluated: 2024-04-22. Review status: criteria provided, single submitter. Criteria: ACMG Guidelines, 2015. Collection method: clinical testing. Allele origin: germline.

GeneDx
Classification: Uncertain significance. Last evaluated: 2018-02-19. Review status: criteria provided, single submitter. Criteria: GeneDx Variant Classification (06012015). Collection method: clinical testing. Allele origin: germline. Affected: yes.
Comment: The c.4195_4196delTGinsCA variant in the PKD1 gene has not been reported previously as a pathogenic variant nor as a benign variant, to our knowledge. This variant causes codon Tryptophan 1399 to be replaced with a Glutamine, denoted p.Trp1399Gln. The c.4195_4196delTGinsCA variant is not observed at a significant frequency in large population cohorts (Lek et al., 2016). The c.4195_4196delTGinsCA variant causes a non-conservative amino acid substitution, which is likely to impact secondary protein structure as these residues differ in polarity, charge, size and/or other properties. In-silico analyses, including protein predictors and evolutionary conservation, support that this variant does not alter protein structure/function. We interpret c.4195_4196delTGinsCA as a variant of uncertain significance.